The following is an entry in ClinVar:

NM_001111.5(ADAR):c.3202G>A (p.Gly1068Ser)

Gene: ADAR (adenosine deaminase RNA specific; minus strand). Cytogenetic location: 1q21.3.
Variant type: single nucleotide variant.
Coding change: c.3202G>A on transcript NM_001111.5 (MANE Select); coding-DNA position 3202, G replaced by A.
Protein change: p.Gly1068Ser; replaces glycine 1068 with serine.
Molecular consequence: missense variant.
Genome position (GRCh38, 1-based): chr1:154,586,181, C>T on the plus strand (G>A on the coding strand, the complement: ADAR is on the minus strand). VCF-style: chr1-154586181-C-T. GRCh37 (hg19) VCF-style: chr1-154558657-C-T.
Other names: c.2317G>A, p.Gly773Ser (NM_001025107.3, NM_001193495.2, NM_001365046.1 and 2 more transcripts); c.3229G>A, p.Gly1077Ser (NM_001365045.1); c.2239G>A, p.Gly747Ser (NM_001365049.1); c.3124G>A, p.Gly1042Ser (NM_015840.4); c.3067G>A, p.Gly1023Ser (NM_015841.4); short protein forms G1023S, G1042S, G1068S, G1077S, G747S, G773S.
Identifiers: ClinVar variation 3762665 (VCV003762665.2).
Genomic context (GRCh38, chr1:154,586,181, plus strand): 5'-GTTTGGGATCTGGGCACAAGAAGGACAGACCAGTTCCAGATCCCAAGGCAGGCCCCTTAC[C>T]CAATGTGACAGATTTGAGATAAATGGGCTGCAGGAAGTGGGTCAACAGTGCCCCTTGCAG-3'
Protein context (NP_001102.3, residues 1058-1078): QPIYLKSVTL[Gly1068Ser]YLFSQGHLTR

ClinVar aggregate classification (germline): Uncertain significance (1 of 4 stars; one submission).

Conditions:
Symmetrical dyschromatosis of extremities (DSH). Also called: DYSCHROMATOSIS SYMMETRICA HEREDITARIA 1; RETICULATE ACROPIGMENTATION OF DOHI; SYMMETRIC DYSCHROMATOSIS OF THE EXTREMITIES; Dyschromatosis symmetrica hereditaria. Identifiers: Orphanet 41, MedGen C0406775, MONDO:0007483, OMIM 127400.
Aicardi-Goutieres syndrome 6 (AGS6). Identifiers: Orphanet 51, MedGen C3539013, MONDO:0014007, OMIM 615010.

Submission:

Labcorp Genetics (formerly Invitae), Labcorp
Classification: Uncertain significance for Aicardi-Goutieres syndrome 6; Symmetrical dyschromatosis of extremities. Last evaluated: 2024-05-28. Review status: criteria provided, single submitter. Criteria: Invitae Variant Classification Sherloc (09022015). Collection method: clinical testing. Allele origin: germline.
Comment: This sequence change replaces glycine, which is neutral and non-polar, with serine, which is neutral and polar, at codon 1068 of the ADAR protein (p.Gly1068Ser). This variant also falls at the last nucleotide of exon 12, which is part of the consensus splice site for this exon. This variant is not present in population databases (gnomAD no frequency). This variant has not been reported in the literature in individuals affected with ADAR-related conditions. An algorithm developed to predict the effect of missense changes on protein structure and function (PolyPhen-2) suggests that this variant is likely to be disruptive. Variants that disrupt the consensus splice site are a relatively common cause of aberrant splicing (PMID: 17576681, 9536098). Algorithms developed to predict the effect of sequence changes on RNA splicing suggest that this variant may disrupt the consensus splice site. In summary, the available evidence is currently insufficient to determine the role of this variant in disease. Therefore, it has been classified as a Variant of Uncertain Significance.

Literature cited by the submitters: PubMed 17576681; PubMed 9536098.